The following is an entry in ClinVar:

ClinVar aggregate classification (germline): Uncertain significance. Review status: criteria provided, multiple submitters, no conflicts (2 of 4 stars). 2 submissions from 2 submitters: Uncertain significance (2). Last evaluated 2021-07-16.

Conditions:
Hereditary cancer-predisposing syndrome. Also called: Neoplastic Syndromes, Hereditary; Tumor predisposition; Hereditary neoplastic syndrome; Hereditary Cancer Syndrome. Identifiers: Orphanet 140162, MedGen C0027672, MeSH D009386, MONDO:0015356.

Allele frequency attached by ClinVar (database versions not stated): TOPMed below 0.00001; gnomAD 0.00001.
gnomAD v4.1: 1 of 1,613,170 alleles (0.000062%); highest among the groups gnomAD compares: Non-Finnish European, 0.000085%; no homozygotes.

Submissions (2):

Labcorp Genetics (formerly Invitae), Labcorp
Classification: Uncertain significance. Last evaluated: 2021-07-16. Review status: criteria provided, single submitter. Criteria: Invitae Variant Classification Sherloc (09022015). Collection method: clinical testing. Allele origin: germline.
Comment: Algorithms developed to predict the effect of missense changes on protein structure and function are either unavailable or do not agree on the potential impact of this missense change (SIFT: "Deleterious"; PolyPhen-2: "Not Available"; Align-GVGD: "Class C65"). In summary, the available evidence is currently insufficient to determine the role of this variant in disease. Therefore, it has been classified as a Variant of Uncertain Significance. This variant has not been reported in the literature in individuals with POLE-related conditions. ClinVar contains an entry for this variant (Variation ID: 827519). This variant is not present in population databases (ExAC no frequency). This sequence change replaces phenylalanine with cysteine at codon 274 of the POLE protein (p.Phe274Cys). The phenylalanine residue is highly conserved and there is a large physicochemical difference between phenylalanine and cysteine.

Ambry Genetics
Classification: Uncertain significance for Hereditary cancer-predisposing syndrome. Last evaluated: 2019-07-12. Review status: criteria provided, single submitter. Criteria: Ambry Variant Classification Scheme 2023. Collection method: clinical testing. Allele origin: germline.
Comment: The p.F274C variant (also known as c.821T>G), located in coding exon 9 of the POLE gene, results from a T to G substitution at nucleotide position 821. The phenylalanine at codon 274 is replaced by cysteine, an amino acid with highly dissimilar properties. This amino acid position is highly conserved in available vertebrate species. In addition, this alteration is predicted to be deleterious by in silico analysis. Since supporting evidence is limited at this time, the clinical significance of this alteration remains unclear.

NM_006231.4(POLE):c.821T>G (p.Phe274Cys)

Gene: POLE (DNA polymerase epsilon, catalytic subunit; minus strand). Cytogenetic location: 12q24.33.
Variant type: single nucleotide variant.
Coding change: c.821T>G on transcript NM_006231.4 (MANE Select); coding-DNA position 821, T replaced by G.
Protein change: p.Phe274Cys; replaces phenylalanine 274 with cysteine.
Molecular consequence: missense variant.
Genome position (GRCh38, 1-based): chr12:132,676,634, A>C on the plus strand (T>G on the coding strand, the complement: POLE is on the minus strand). VCF-style: chr12-132676634-A-C. GRCh37 (hg19) VCF-style: chr12-133253220-A-C.
Other names: short protein forms F274C.
Identifiers: ClinVar variation 827519 (VCV000827519.13), dbSNP rs1447970531, ClinGen allele CA387364347.